The following is an entry in ClinVar:

ClinVar aggregate classification (germline): Pathogenic/Likely pathogenic. Review status: criteria provided, multiple submitters, no conflicts (2 of 4 stars). 7 submissions from 7 submitters: Pathogenic (5); Likely pathogenic (2). Last evaluated 2025-10-13.

Conditions:
Hereditary cancer-predisposing syndrome. Also called: Hereditary neoplastic syndrome; Neoplastic Syndromes, Hereditary; Tumor predisposition; Hereditary Cancer Syndrome. Identifiers: Orphanet 140162, MedGen C0027672, MeSH D009386, MONDO:0015356.
Familial cancer of breast. Also called: BREAST CANCER, FAMILIAL; Hereditary breast cancer; hereditary breast carcinoma. Identifiers: Orphanet 227535, MedGen C0346153, MONDO:0016419, OMIM 114480. Disease mechanism: loss of function.
Ataxia-telangiectasia syndrome (AT). Also called: LOUIS-BAR SYNDROME; Cerebello-oculocutaneous telangiectasia; Immunodeficiency with ataxia telangiectasia; AT, COMPLEMENTATION GROUP C; Ataxia-telangiectasia, complementation group D; ATAXIA-TELANGIECTASIA, COMPLEMENTATION GROUP A. Identifiers: Orphanet 100, MedGen C0004135, MONDO:0008840, OMIM 208900.
Malignant tumor of breast. Also called: Malignant breast neoplasm; Cancer breast. Identifiers: MedGen C0006142, MONDO:0007254. Disease mechanism: loss of function.

Submissions (7):

Women's Health and Genetics/Laboratory Corporation of America, LabCorp
Classification: Pathogenic for Malignant tumor of breast. Last evaluated: 2025-10-13. Review status: criteria provided, single submitter. Criteria: LabCorp Variant Classification Summary - May 2015. Collection method: clinical testing. Allele origin: germline.
Comment: Variant summary: ATM c.3539_3540delTG (p.Val1180GlufsX19) results in a premature termination codon, predicted to cause a truncation of the encoded protein or absence of the protein due to nonsense mediated decay, which are commonly known mechanisms for disease. The variant was absent in 251376 control chromosomes. c.3539_3540delTG has been observed in individual(s) affected with Breast Cancer (Palmer_2020). To our knowledge, no experimental evidence demonstrating an impact on protein function has been reported. The following publication have been ascertained in the context of this evaluation (PMID: 32427313). ClinVar contains an entry for this variant (Variation ID: 481325). Based on the evidence outlined above, the variant was classified as pathogenic.

Natera, Inc.
Classification: Likely pathogenic for Ataxia-telangiectasia. Last evaluated: 2025-09-24. Review status: criteria provided, single submitter. Criteria: Natera Variant Classification Schema (03/2026). Collection method: clinical testing. Allele origin: germline.
Comment: The c.3539_3540delTG variant in ATM is a frameshift variant predicted to shift the reading frame beginning at codon 1180 and leads to a stop codon 19 codons downstream. This variant is expected to result in nonsense mediated decay, truncation, or a dysfunctional protein product. This variant is rare in the general population with a frequency below the threshold expected for the associated phenotype(s). Given the available evidence, this variant is classified as Likely Pathogenic.

Ambry Genetics
Classification: Pathogenic for Hereditary cancer-predisposing syndrome. Last evaluated: 2025-09-02. Review status: criteria provided, single submitter. Criteria: Ambry Variant Classification Scheme 2023. Collection method: clinical testing. Allele origin: germline.
Comment: The c.3539_3540delTG variant, located in coding exon 23 of the ATM gene, results from a deletion of two nucleotides at nucleotide positions 3539 to 3540, causing a translational frameshift with a predicted alternate stop codon (p.V1180Efs*19). This variant is considered to be rare based on population cohorts in the Genome Aggregation Database (gnomAD). This alteration is expected to result in loss of function by premature protein truncation or nonsense-mediated mRNA decay. As such, this alteration is interpreted as a disease-causing mutation.

Labcorp Genetics (formerly Invitae), Labcorp
Classification: Pathogenic for Ataxia-telangiectasia syndrome. Last evaluated: 2025-06-22. Review status: criteria provided, single submitter. Criteria: Invitae Variant Classification Sherloc (09022015). Collection method: clinical testing. Allele origin: germline.
Comment: This sequence change creates a premature translational stop signal (p.Val1180Glufs*19) in the ATM gene. It is expected to result in an absent or disrupted protein product. Loss-of-function variants in ATM are known to be pathogenic (PMID: 23807571, 25614872). This variant is not present in population databases (gnomAD no frequency). This variant has not been reported in the literature in individuals affected with ATM-related conditions. ClinVar contains an entry for this variant (Variation ID: 481325). For these reasons, this variant has been classified as Pathogenic.

GeneDx
Classification: Pathogenic. Last evaluated: 2024-06-21. Review status: criteria provided, single submitter. Criteria: GeneDx Variant Classification Process June 2021. Collection method: clinical testing. Allele origin: germline. Affected: yes.
Comment: Observed in a patient with breast cancer (PMID: 32427313); Frameshift variant predicted to result in protein truncation or nonsense mediated decay in a gene for which loss of function is a known mechanism of disease; Truncating variants in this gene are considered pathogenic by a well-established clinical consortium and/or database; Not observed at significant frequency in large population cohorts (gnomAD); This variant is associated with the following publications: (PMID: 36531003, 32427313)

Myriad Genetics, Inc.
Classification: Pathogenic for Familial cancer of breast. Last evaluated: 2024-01-22. Review status: criteria provided, single submitter. Criteria: Myriad Autosomal Dominant, Autosomal Recessive and X-Linked Classification Criteria (2023). Collection method: clinical testing. Allele origin: unknown.
Comment: This variant is considered pathogenic. This variant creates a frameshift predicted to result in premature protein truncation.

Baylor Genetics
Classification: Likely pathogenic for Familial cancer of breast. Last evaluated: 2024-01-11. Review status: criteria provided, single submitter. Criteria: ACMG Guidelines, 2015. Collection method: clinical testing. Allele origin: unknown.

Literature cited by the submitters: PubMed 32427313 (cited by Women's Health and Genetics/Laboratory Corporation of America, LabCorp); PubMed 23807571 (cited by Labcorp Genetics (formerly Invitae), Labcorp); PubMed 25614872 (cited by Labcorp Genetics (formerly Invitae), Labcorp).

NM_000051.4(ATM):c.3539_3540del (p.Val1180fs)

Gene: ATM (ATM serine/threonine kinase; plus strand). Cytogenetic location: 11q22.3.
Variant type: Microsatellite.
Coding change: c.3539_3540del on transcript NM_000051.4 (MANE Select); coding-DNA positions 3539 to 3540, 2 bases deleted (TG; older notation c.3539_3540delTG).
Protein change: p.Val1180fs; shifts the reading frame from valine 1180.
Molecular consequence: frameshift variant.
Genome position (GRCh38, 1-based): chr11:108,281,131-108,281,132, TG deleted; deleting any 2 consecutive bases within chr11:108,281,129-108,281,132 gives the same sequence; the c. name uses the placement nearest the transcript's 3' end. VCF-style (leftmost placement, unchanged base first): chr11-108281128-CTG-C. GRCh37 (hg19) VCF-style: chr11-108151855-CTG-C.
Other names: c.3539_3540del, p.Val1180fs (NM_001351834.2); c.3539_3540delTG (NM_000051.3, NM_000051.4); short protein forms V1180fs.
Identifiers: ClinVar variation 481325 (VCV000481325.19), dbSNP rs1555091367, ClinGen allele CA658656213.
Genomic context (GRCh38, chr11:108,281,128, plus strand): 5'-CTGTGGTTTTATCCTGTAGCCCTATCTGCGAAAAACAGGCTTTGTTTGCCCTGTGTAAAT[CTG>C]TGAAAGAGAATGGATTAGAACCTCACCTTGTGAAAAAGGTATATATGGATGAGTATTTTA-3'